The following is an entry in ClinVar:

NM_001303256.3(MORC2):c.2649C>T (p.Val883=)

Gene: MORC2 (MORC family CW-type zinc finger 2; minus strand). Cytogenetic location: 22q12.2.
Variant type: single nucleotide variant.
Coding change: c.2649C>T on transcript NM_001303256.3 (MANE Select); coding-DNA position 2649, C replaced by T.
Protein change: p.Val883=; no amino-acid change (valine 883 retained).
Molecular consequence: synonymous variant.
Genome position (GRCh38, 1-based): chr22:30,932,643, G>A on the plus strand (C>T on the coding strand, the complement: MORC2 is on the minus strand). VCF-style: chr22-30932643-G-A. GRCh37 (hg19) VCF-style: chr22-31328630-G-A.
Other names: c.2649C>T, p.Val883= (NM_001303257.2); c.2463C>T, p.Val821= (NM_014941.3).
Identifiers: ClinVar variation 475584 (VCV000475584.14), dbSNP rs189421529, ClinGen allele CA10186601.

ClinVar aggregate classification (germline): Benign/Likely benign. Review status: criteria provided, multiple submitters, no conflicts (2 of 4 stars). 3 submissions from 3 submitters: Benign (1); Likely benign (2). Last evaluated 2025-11-26.

Conditions:
MORC2-related disorder. Also called: MORC2-related condition.
Charcot-Marie-Tooth disease axonal type 2Z. Also called: CHARCOT-MARIE-TOOTH DISEASE, AXONAL, AUTOSOMAL DOMINANT, TYPE 2Z; CHARCOT-MARIE-TOOTH NEUROPATHY, TYPE 2Z. Identifiers: Orphanet 466768, MedGen C5569025, MONDO:0014736, OMIM 616688.

Allele frequency attached by ClinVar (database versions not stated): ESP Exome Variant Server 0.00015; gnomAD 0.00021 and 0.00034; TOPMed 0.00030; gnomAD exomes 0.00048; ExAC 0.00052; 1000 Genomes Project 30x 0.00109; 1000 Genomes Project 0.00120.
gnomAD v4.1: 417 of 1,614,144 alleles (0.026%); highest among the groups gnomAD compares: Middle Eastern, 0.41%; 1 homozygote.

Submissions (3):

PreventionGenetics, part of Exact Sciences
Classification: Likely benign for MORC2-related condition. Last evaluated: 2025-11-26. Review status: criteria provided, single submitter. Criteria: ACMG Guidelines, 2015. Collection method: clinical testing. Allele origin: germline.
Comment: This variant is classified as likely benign based on ACMG/AMP sequence variant interpretation guidelines (Richards et al. 2015 PMID: 25741868, with internal and published modifications).

Labcorp Genetics (formerly Invitae), Labcorp
Classification: Benign for Charcot-Marie-Tooth disease axonal type 2Z. Last evaluated: 2025-11-18. Review status: criteria provided, single submitter. Criteria: Invitae Variant Classification Sherloc (09022015). Collection method: clinical testing. Allele origin: germline.

Blueprint Genetics
Classification: Likely benign. Last evaluated: 2024-10-28. Review status: criteria provided, single submitter. Criteria: ACMG Guidelines, 2015. Collection method: clinical testing. Allele origin: germline.